The following is an entry in ClinVar:

ClinVar aggregate classification (germline): Uncertain significance (1 of 4 stars; one submission).

Conditions:
EP300-related disorder. Also called: EP300-related condition; EP300-related disorders.

gnomAD v4.1: 5 of 1,614,200 alleles (0.00031%); highest among the groups gnomAD compares: African/African-American, 0.0013%; no homozygotes.

Submission:

PreventionGenetics, part of Exact Sciences
Classification: Uncertain significance for EP300-related condition. Last evaluated: 2025-07-14. Review status: criteria provided, single submitter. Criteria: ACMG Guidelines, 2015. Collection method: clinical testing. Allele origin: germline.
Comment: The EP300 c.6301C>T variant is predicted to result in the amino acid substitution p.Pro2101Ser. To our knowledge, this variant has not been reported in the literature. This variant is reported in 0.0062% of alleles in individuals of African descent in gnomAD. At this time, the clinical significance of this variant is uncertain due to the absence of conclusive functional and genetic evidence.

NM_001429.4(EP300):c.6301C>T (p.Pro2101Ser)

Gene: EP300 (EP300 lysine acetyltransferase; plus strand). Cytogenetic location: 22q13.2.
Variant type: single nucleotide variant.
Coding change: c.6301C>T on transcript NM_001429.4 (MANE Select); coding-DNA position 6301, C replaced by T.
Protein change: p.Pro2101Ser; replaces proline 2101 with serine.
Molecular consequence: missense variant.
Genome position (GRCh38, 1-based): chr22:41,178,012, C>T. VCF-style: chr22-41178012-C-T. GRCh37 (hg19) VCF-style: chr22-41574016-C-T.
Other names: c.6223C>T, p.Pro2075Ser (NM_001362843.2); short protein forms P2075S, P2101S.
Identifiers: ClinVar variation 4978700 (VCV004978700.1).